The following is an entry in ClinVar:

NM_006767.4(LZTR1):c.1625A>T (p.Glu542Val)

Gene: LZTR1 (leucine zipper like post translational regulator 1; plus strand). Cytogenetic location: 22q11.21.
Variant type: single nucleotide variant.
Coding change: c.1625A>T on transcript NM_006767.4 (MANE Select); coding-DNA position 1625, A replaced by T.
Protein change: p.Glu542Val; replaces glutamic acid 542 with valine.
Molecular consequence: missense variant.
Genome position (GRCh38, 1-based): chr22:20,994,567, A>T. VCF-style: chr22-20994567-A-T. GRCh37 (hg19) VCF-style: chr22-21348856-A-T.
Other names: short protein forms E542V.
Identifiers: ClinVar variation 1776677 (VCV001776677.4), dbSNP rs1924748507, ClinGen allele CA410776498.

ClinVar aggregate classification (germline): Uncertain significance. Review status: criteria provided, multiple submitters, no conflicts (2 of 4 stars). 2 submissions from 2 submitters: Uncertain significance (2). Last evaluated 2025-09-27.

Conditions:
Cardiovascular phenotype. Identifiers: MedGen CN230736.
Hereditary cancer-predisposing syndrome. Also called: Neoplastic Syndromes, Hereditary; Tumor predisposition; Hereditary Cancer Syndrome; Hereditary neoplastic syndrome. Identifiers: Orphanet 140162, MedGen C0027672, MeSH D009386, MONDO:0015356.

Submissions (2):

Labcorp Genetics (formerly Invitae), Labcorp
Classification: Uncertain significance. Last evaluated: 2025-09-27. Review status: criteria provided, single submitter. Criteria: Invitae Variant Classification Sherloc (09022015). Collection method: clinical testing. Allele origin: germline.
Comment: This sequence change replaces glutamic acid, which is acidic and polar, with valine, which is neutral and non-polar, at codon 542 of the LZTR1 protein (p.Glu542Val). This variant is not present in population databases (gnomAD no frequency). This variant has not been reported in the literature in individuals affected with LZTR1-related conditions. ClinVar contains an entry for this variant (Variation ID: 1776677). Invitae Evidence Modeling of protein sequence and biophysical properties (such as structural, functional, and spatial information, amino acid conservation, physicochemical variation, residue mobility, and thermodynamic stability) indicates that this missense variant is not expected to disrupt LZTR1 protein function with a negative predictive value of 80%. In summary, the available evidence is currently insufficient to determine the role of this variant in disease. Therefore, it has been classified as a Variant of Uncertain Significance.

Ambry Genetics
Classification: Uncertain significance for Cardiovascular phenotype; Hereditary cancer-predisposing syndrome. Last evaluated: 2024-09-14. Review status: criteria provided, single submitter. Criteria: Ambry Variant Classification Scheme 2023. Collection method: clinical testing. Allele origin: germline.
Comment: The p.E542V variant (also known as c.1625A>T), located in coding exon 15 of the LZTR1 gene, results from an A to T substitution at nucleotide position 1625. The glutamic acid at codon 542 is replaced by valine, an amino acid with dissimilar properties. This amino acid position is not well conserved in available vertebrate species. In addition, this alteration is predicted to be tolerated by in silico analysis. Based on the available evidence, the clinical significance of this variant remains unclear.